The following is an entry in ClinVar:

NM_012414.4(RAB3GAP2):c.1215C>T (p.Phe405=)

Gene: RAB3GAP2 (RAB3 GTPase activating non-catalytic protein subunit 2; minus strand). Cytogenetic location: 1q41.
Variant type: single nucleotide variant.
Coding change: c.1215C>T on transcript NM_012414.4 (MANE Select); coding-DNA position 1215, C replaced by T.
Protein change: p.Phe405=; no amino-acid change (phenylalanine 405 retained).
Molecular consequence: synonymous variant.
Genome position (GRCh38, 1-based): chr1:220,193,295, G>A on the plus strand (C>T on the coding strand, the complement: RAB3GAP2 is on the minus strand). VCF-style: chr1-220193295-G-A. GRCh37 (hg19) VCF-style: chr1-220366637-G-A.
Identifiers: ClinVar variation 378452 (VCV000378452.10), dbSNP rs762485949, ClinGen allele CA1402744.

ClinVar aggregate classification (germline): Benign/Likely benign. Review status: criteria provided, multiple submitters, no conflicts (2 of 4 stars). 3 submissions from 3 submitters: Benign (1); Likely benign (1). 1 of the submissions does not count toward it. Last evaluated 2024-05-01.

Conditions:
RAB3GAP2-related disorder. Also called: RAB3GAP2-related condition; RAB3GAP2-related disorders.
Warburg micro syndrome 2 (WARBM2). Also called: MICRO SYNDROME 2. Identifiers: Orphanet 2510, MedGen C3280214, MONDO:0013641, OMIM 614225.
Martsolf syndrome (MARTS). Also called: Congenital cataract with intellectual disability and hypogonadotropic hypogonadism syndrome. Identifiers: Orphanet 1387, MedGen C0796037, MONDO:0023910.

Allele frequency attached by ClinVar (database versions not stated): gnomAD 0.00009; gnomAD exomes 0.00009 and 0.00010; TOPMed 0.00009; ExAC 0.00012.
gnomAD v4.1: 153 of 1,613,788 alleles (0.0095%); highest among the groups gnomAD compares: Non-Finnish European, 0.011%; no homozygotes.

Submissions (3):

Labcorp Genetics (formerly Invitae), Labcorp
Classification: Likely benign for Martsolf syndrome; Warburg micro syndrome 2. Last evaluated: 2024-05-01. Review status: criteria provided, single submitter. Criteria: Invitae Variant Classification Sherloc (09022015). Collection method: clinical testing. Allele origin: germline.

GeneDx
Classification: Benign. Last evaluated: 2015-09-16. Review status: criteria provided, single submitter. Criteria: GeneDx Variant Classification (06012015). Collection method: clinical testing. Allele origin: germline. Affected: yes.
Comment: This variant is considered likely benign or benign based on one or more of the following criteria: it is a conservative change, it occurs at a poorly conserved position in the protein, it is predicted to be benign by multiple in silico algorithms, and/or has population frequency not consistent with disease.

PreventionGenetics, part of Exact Sciences
Classification: Likely benign for RAB3GAP2-related condition. Last evaluated: 2019-03-01. Review status: no assertion criteria provided. Collection method: clinical testing. Allele origin: germline. Not counted in ClinVar's aggregate classification.
Comment: This variant is classified as likely benign based on ACMG/AMP sequence variant interpretation guidelines (Richards et al. 2015 PMID: 25741868, with internal and published modifications).